The following is an entry in ClinVar:

ClinVar aggregate classification (germline): Uncertain significance. Review status: criteria provided, multiple submitters, no conflicts (2 of 4 stars). 8 submissions from 7 submitters: Uncertain significance (8). Last evaluated 2025-08-31.

Conditions:
TMC1-related disorder. Also called: TMC1-related disorders; TMC1-related condition.
Inborn genetic diseases. Identifiers: MedGen C0950123, MeSH D030342.
Autosomal recessive nonsyndromic hearing loss 7. Also called: DEAFNESS, AUTOSOMAL RECESSIVE 11. Identifiers: Orphanet 90636, MedGen C1832978, MONDO:0010967, OMIM 600974.
Autosomal dominant nonsyndromic hearing loss 36. Identifiers: Orphanet 90635, MedGen C1847626, MONDO:0011708, OMIM 606705.

Allele frequency attached by ClinVar (database versions not stated): gnomAD 0.00012 and 0.00013; ESP Exome Variant Server 0.00015; TOPMed 0.00017; gnomAD exomes 0.00018 and 0.00022; 1000 Genomes Project 0.00020; ExAC 0.00022; 1000 Genomes Project 30x 0.00031.
gnomAD v4.1: 335 of 1,614,036 alleles (0.021%); highest among the groups gnomAD compares: Non-Finnish European, 0.026%; no homozygotes.

Submissions (8):

Labcorp Genetics (formerly Invitae), Labcorp
Classification: Uncertain significance. Last evaluated: 2025-08-31. Review status: criteria provided, single submitter. Criteria: Invitae Variant Classification Sherloc (09022015). Collection method: clinical testing. Allele origin: germline.
Comment: This sequence change replaces arginine, which is basic and polar, with histidine, which is basic and polar, at codon 158 of the TMC1 protein (p.Arg158His). This variant is present in population databases (rs148340276, gnomAD 0.03%). This missense change has been observed in individual(s) with TMC1-related conditions (PMID: 36515421). ClinVar contains an entry for this variant (Variation ID: 367253). Invitae Evidence Modeling of protein sequence and biophysical properties (such as structural, functional, and spatial information, amino acid conservation, physicochemical variation, residue mobility, and thermodynamic stability) has been performed for this missense variant. However, the output from this modeling did not meet the statistical confidence thresholds required to predict the impact of this variant on TMC1 protein function. In summary, the available evidence is currently insufficient to determine the role of this variant in disease. Therefore, it has been classified as a Variant of Uncertain Significance.

GeneDx
Classification: Uncertain significance. Last evaluated: 2025-06-26. Review status: criteria provided, single submitter. Criteria: GeneDx Variant Classification Process June 2021. Collection method: clinical testing. Allele origin: germline. Affected: yes.
Comment: Identified in a patient with bilateral sensorineural hearing loss in published literature (PMID: 36515421); In silico analysis supports that this missense variant has a deleterious effect on protein structure/function; This variant is associated with the following publications: (PMID: 36515421)

Blueprint Genetics
Classification: Uncertain significance. Last evaluated: 2024-10-22. Review status: criteria provided, single submitter. Criteria: ACMG Guidelines, 2015. Collection method: clinical testing. Allele origin: germline.

Ambry Genetics
Classification: Uncertain significance for Inborn genetic diseases. Last evaluated: 2024-09-09. Review status: criteria provided, single submitter. Criteria: Ambry Variant Classification Scheme 2023. Collection method: clinical testing. Allele origin: germline.

PreventionGenetics, part of Exact Sciences
Classification: Uncertain significance for TMC1-related condition. Last evaluated: 2023-07-12. Review status: criteria provided, single submitter. Criteria: ACMG Guidelines, 2015. Collection method: clinical testing. Allele origin: germline.
Comment: The TMC1 c.473G>A variant is predicted to result in the amino acid substitution p.Arg158His. To our knowledge, this variant has not been reported in the literature. This variant is reported in 0.035% of alleles in individuals of European (Non-Finnish) descent in gnomAD. At this time, the clinical significance of this variant is uncertain due to the absence of conclusive functional and genetic evidence.

Athena Diagnostics
Classification: Uncertain significance. Last evaluated: 2019-04-19. Review status: criteria provided, single submitter. Criteria: Athena Diagnostics Criteria. Collection method: clinical testing. Allele origin: germline.

Illumina Laboratory Services, Illumina
Classification: Uncertain significance for Autosomal dominant nonsyndromic hearing loss 36. Last evaluated: 2018-01-12. Review status: criteria provided, single submitter. Criteria: ICSL Variant Classification Criteria 13 December 2019. Collection method: clinical testing. Allele origin: germline.

Illumina Laboratory Services, Illumina
Classification: Uncertain significance for Autosomal recessive nonsyndromic hearing loss 7. Last evaluated: 2018-01-12. Review status: criteria provided, single submitter. Criteria: ICSL Variant Classification Criteria 13 December 2019. Collection method: clinical testing. Allele origin: germline.

Literature cited by the submitters: PubMed 36515421 (cited by Labcorp Genetics (formerly Invitae), Labcorp).

NM_138691.3(TMC1):c.473G>A (p.Arg158His)

Gene: TMC1 (transmembrane channel like 1; plus strand). Cytogenetic location: 9q21.13.
Variant type: single nucleotide variant.
Coding change: c.473G>A on transcript NM_138691.3 (MANE Select); coding-DNA position 473, G replaced by A.
Protein change: p.Arg158His; replaces arginine 158 with histidine.
Molecular consequence: missense variant.
Genome position (GRCh38, 1-based): chr9:72,742,463, G>A. VCF-style: chr9-72742463-G-A. GRCh37 (hg19) VCF-style: chr9-75357379-G-A.
Other names: short protein forms R158H.
Identifiers: ClinVar variation 367253 (VCV000367253.16), dbSNP rs148340276, ClinGen allele CA5081692.